The following is an entry in ClinVar:

NM_015650.4(IFT54):c.1759C>T (p.Arg587Cys)

Gene: IFT54 (intraflagellar transport 54; plus strand). Cytogenetic location: 2q37.3.
Variant type: single nucleotide variant.
Coding change: c.1759C>T on transcript NM_015650.4 (MANE Select); coding-DNA position 1759, C replaced by T.
Protein change: p.Arg587Cys; replaces arginine 587 with cysteine.
Molecular consequence: missense variant.
Genome position (GRCh38, 1-based): chr2:238,397,528, C>T. VCF-style: chr2-238397528-C-T. GRCh37 (hg19) VCF-style: chr2-239306169-C-T.
Other names: c.1561C>T, p.Arg521Cys (NM_001139490.1); c.1759C>T (NM_015650.3); short protein forms R521C, R587C.
Identifiers: ClinVar variation 1047724 (VCV001047724.9), dbSNP rs761212435, ClinGen allele CA2198568.

ClinVar aggregate classification (germline): Uncertain significance. Review status: criteria provided, multiple submitters, no conflicts (2 of 4 stars). 3 submissions from 3 submitters: Uncertain significance (3). Last evaluated 2025-08-03.

Conditions:
Inborn genetic diseases. Identifiers: MedGen C0950123, MeSH D030342.

Allele frequency attached by ClinVar (database versions not stated): gnomAD 0.00001 and 0.00003; gnomAD exomes 0.00002; TOPMed 0.00002; ExAC 0.00004.

Submissions (3):

Ambry Genetics
Classification: Uncertain significance for Inborn genetic diseases. Last evaluated: 2025-08-03. Review status: criteria provided, single submitter. Criteria: Ambry Variant Classification Scheme 2023. Collection method: clinical testing. Allele origin: germline.

Labcorp Genetics (formerly Invitae), Labcorp
Classification: Uncertain significance. Last evaluated: 2024-10-15. Review status: criteria provided, single submitter. Criteria: Invitae Variant Classification Sherloc (09022015). Collection method: clinical testing. Allele origin: germline.
Comment: This sequence change replaces arginine, which is basic and polar, with cysteine, which is neutral and slightly polar, at codon 587 of the TRAF3IP1 protein (p.Arg587Cys). This variant is present in population databases (rs761212435, gnomAD 0.02%). This variant has not been reported in the literature in individuals affected with TRAF3IP1-related conditions. ClinVar contains an entry for this variant (Variation ID: 1047724). Invitae Evidence Modeling of protein sequence and biophysical properties (such as structural, functional, and spatial information, amino acid conservation, physicochemical variation, residue mobility, and thermodynamic stability) indicates that this missense variant is expected to disrupt TRAF3IP1 protein function with a positive predictive value of 80%. In summary, the available evidence is currently insufficient to determine the role of this variant in disease. Therefore, it has been classified as a Variant of Uncertain Significance.

Blueprint Genetics
Classification: Uncertain significance. Last evaluated: 2023-09-07. Review status: criteria provided, single submitter. Criteria: ACMG Guidelines, 2015. Collection method: clinical testing. Allele origin: germline.